The following is an entry in ClinVar:

NM_018136.5(ASPM):c.4288A>C (p.Met1430Leu)

Gene: ASPM (assembly factor for spindle microtubules; minus strand). Cytogenetic location: 1q31.3.
Variant type: single nucleotide variant.
Coding change: c.4288A>C on transcript NM_018136.5 (MANE Select); coding-DNA position 4288, A replaced by C.
Protein change: p.Met1430Leu; replaces methionine 1430 with leucine.
Molecular consequence: missense variant. On other transcripts: intron variant (1).
Genome position (GRCh38, 1-based): chr1:197,104,963, T>G on the plus strand (A>C on the coding strand, the complement: ASPM is on the minus strand). VCF-style: chr1-197104963-T-G. GRCh37 (hg19) VCF-style: chr1-197074093-T-G.
Other names: c.4066-8799A>C (NM_001206846.2); short protein forms M1430L.
Identifiers: ClinVar variation 1428043 (VCV001428043.21), dbSNP rs1329842909, ClinGen allele CA344031086.

ClinVar aggregate classification (germline): Uncertain significance. Review status: criteria provided, multiple submitters, no conflicts (2 of 4 stars). 2 submissions from 2 submitters: Uncertain significance (2). Last evaluated 2025-02-01.

Allele frequency attached by ClinVar (database versions not stated): gnomAD exomes 0.00001.

Submissions (2):

CeGaT Center for Human Genetics Tuebingen
Classification: Uncertain significance. Last evaluated: 2025-02-01. Review status: criteria provided, single submitter. Criteria: CeGaT Center For Human Genetics Tuebingen Variant Classification Criteria Version 2. Collection method: clinical testing. Allele origin: germline. Affected: yes. Observed: 1 variant allele.
Comment: ASPM: PM2, BP4

Labcorp Genetics (formerly Invitae), Labcorp
Classification: Uncertain significance. Last evaluated: 2023-03-01. Review status: criteria provided, single submitter. Criteria: Invitae Variant Classification Sherloc (09022015). Collection method: clinical testing. Allele origin: germline.
Comment: ClinVar contains an entry for this variant (Variation ID: 1428043). This sequence change replaces methionine, which is neutral and non-polar, with leucine, which is neutral and non-polar, at codon 1430 of the ASPM protein (p.Met1430Leu). This variant is present in population databases (no rsID available, gnomAD 0.002%). This variant has not been reported in the literature in individuals affected with ASPM-related conditions. Advanced modeling of protein sequence and biophysical properties (such as structural, functional, and spatial information, amino acid conservation, physicochemical variation, residue mobility, and thermodynamic stability) performed at Invitae indicates that this missense variant is not expected to disrupt ASPM protein function. In summary, the available evidence is currently insufficient to determine the role of this variant in disease. Therefore, it has been classified as a Variant of Uncertain Significance.